The following is an entry in ClinVar:

ClinVar aggregate classification (germline): Likely benign (0 of 4 stars; one submission).

Conditions:
APC-related disorder. Also called: APC-related condition.

Allele frequency attached by ClinVar (database versions not stated): TOPMed 0.00001; gnomAD 0.00001.
gnomAD v4.1: 2 of 152,212 alleles (0.0013%); highest among the groups gnomAD compares: Admixed American, 0.0065%; no homozygotes.

Submission:

PreventionGenetics, part of Exact Sciences
Classification: Likely benign for APC-related condition. Last evaluated: 2020-04-24. Review status: no assertion criteria provided. Collection method: clinical testing. Allele origin: germline.
Comment: This variant is classified as likely benign based on ACMG/AMP sequence variant interpretation guidelines (Richards et al. 2015 PMID: 25741868, with internal and published modifications).

NM_000038.6(APC):c.1408+739A>G

Gene: APC (APC regulator of WNT signaling pathway; plus strand). Cytogenetic location: 5q22.2.
Variant type: single nucleotide variant.
Coding change: c.1408+739A>G on transcript NM_000038.6 (MANE Select); 739 bases into the intron after coding-DNA position 1408, A replaced by G.
Molecular consequence: intron variant.
Genome position (GRCh38, 1-based): chr5:112,822,730, A>G. VCF-style: chr5-112822730-A-G. GRCh37 (hg19) VCF-style: chr5-112158427-A-G.
Other names: c.559+739A>G (NM_001407470.1, NM_001354906.2); c.256+739A>G (NM_001407472.1, NM_001407471.1); c.1409-577A>G (NM_001407447.1, NM_001407448.1, NM_001407449.1 and 1 more transcripts); c.1408+739A>G (NM_001354895.2, NM_001407450.1, NM_001127510.3); c.1106-577A>G (NM_001407456.1, NM_001407457.1, NM_001407455.1 and 1 more transcripts); c.1105+739A>G (NM_001407460.1, NM_001407458.1, NM_001407459.1 and 1 more transcripts); c.1325-577A>G (NM_001407452.1); c.1021+739A>G (NM_001407469.1, NM_001407467.1); and 11 more.
Identifiers: ClinVar variation 3054829 (VCV003054829.2), dbSNP rs1241279711, ClinGen allele CA561904280.